The following is an entry in ClinVar:

ClinVar aggregate classification (germline): Uncertain significance (1 of 4 stars; one submission).

Conditions:
Inborn genetic diseases. Identifiers: MedGen C0950123, MeSH D030342.

gnomAD v4.1: 6 of 1,611,452 alleles (0.00037%); highest among the groups gnomAD compares: Non-Finnish European, 0.00051%; no homozygotes.

Submission:

Ambry Genetics
Classification: Uncertain significance for Inborn genetic diseases. Last evaluated: 2025-10-06. Review status: criteria provided, single submitter. Criteria: Ambry Variant Classification Scheme 2023. Collection method: clinical testing. Allele origin: germline.
Comment: The p.N112D variant (also known as c.334A>G), located in coding exon 4 of the RECQL4 gene, results from an A to G substitution at nucleotide position 334. The asparagine at codon 112 is replaced by aspartic acid, an amino acid with highly similar properties. This amino acid position is conserved. In addition, this alteration is predicted to be tolerated by in silico analysis. Based on the available evidence, the clinical significance of this variant remains unclear.

NM_004260.4(RECQL4):c.334A>G (p.Asn112Asp)

Gene: RECQL4 (RecQ like helicase 4; minus strand). Cytogenetic location: 8q24.3.
Variant type: single nucleotide variant.
Coding change: c.334A>G on transcript NM_004260.4 (MANE Select); coding-DNA position 334, A replaced by G.
Protein change: p.Asn112Asp; replaces asparagine 112 with aspartic acid.
Molecular consequence: missense variant. On other transcripts: 5 prime UTR variant (17), non-coding transcript variant (3).
Genome position (GRCh38, 1-based): chr8:144,517,070, T>C on the plus strand (A>G on the coding strand, the complement: RECQL4 is on the minus strand). VCF-style: chr8-144517070-T-C. GRCh37 (hg19) VCF-style: chr8-145742454-T-C.
Other names: c.334A>G, p.Asn112Asp (NM_001413017.1, NM_001413018.1, NM_001413019.1 and 5 more transcripts); c.-642A>G (NM_001413034.1); c.-635A>G (NM_001413035.1, NM_001413024.1); c.-738A>G (NM_001413037.1, NM_001413038.1, NM_001413040.1 and 3 more transcripts); c.-800A>G (NM_001413041.1, NM_001413027.1, NM_001413030.1 and 1 more transcripts); c.-1007A>G (NM_001413043.1); c.-387A>G (NM_001413021.1); c.205A>G, p.Asn69Asp (NM_001413025.1); and 2 more; short protein forms N112D, N69D.
Identifiers: ClinVar variation 4628940 (VCV004628940.1).
Genomic context (GRCh38, chr8:144,517,070, plus strand): 5'-TGTGGACCTAGCGTGGACTCACTGCCTGCCCACTCCTCACCTGCAGGGTGCCTTTCAGAT[T>C]GGCCTTGAGCCGCTGCCCGTAGTCCGGCACCGAGCCCTGGCGGCTCCGCCCTGGCGTAGA-3'
Protein context (NP_004251.4, residues 102-122): VPDYGQRLKA[Asn112Asp]LKGTLQAGPA